The following is an entry in ClinVar:

NM_001367721.1(CASK):c.1234-30G>A

Gene: CASK (calcium/calmodulin dependent serine protein kinase; minus strand). Cytogenetic location: Xp11.4.
Variant type: single nucleotide variant.
Coding change: c.1234-30G>A on transcript NM_001367721.1 (MANE Select); 30 bases into the intron before coding-DNA position 1234, G replaced by A.
Molecular consequence: intron variant.
Genome position (GRCh38, 1-based): chrX:41,587,017, C>T on the plus strand (G>A on the coding strand, the complement: CASK is on the minus strand). VCF-style: chrX-41587017-C-T. GRCh37 (hg19) VCF-style: chrX-41446270-C-T.
Other names: c.1216-30G>A (NM_001126055.3, NM_001410745.1); c.1234-30G>A (NM_001126054.3, NM_003688.4).
Identifiers: ClinVar variation 158064 (VCV000158064.9), dbSNP rs5964019, ClinGen allele CA171478.

ClinVar aggregate classification (germline): Benign. Review status: criteria provided, multiple submitters, no conflicts (2 of 4 stars). 3 submissions from 3 submitters: Benign (2). 1 of the submissions does not count toward it. Last evaluated 2018-06-30.

Allele frequency attached by ClinVar (database versions not stated): gnomAD 0.02683 and 0.02490; 1000 Genomes Project 0.02861; 1000 Genomes Project 30x 0.02955; gnomAD exomes 0.00599 and 0.00246; ExAC 0.00855; ESP Exome Variant Server 0.02457; TOPMed 0.02850.
gnomAD v4.1: 4,593 of 803,163 alleles (0.57%); highest among the groups gnomAD compares: African/African-American, 8.2%; 123 homozygotes.

Submissions (3):

GeneDx
Classification: Benign. Last evaluated: 2018-06-30. Review status: criteria provided, single submitter. Criteria: GeneDx Variant Classification Process June 2021. Collection method: clinical testing. Allele origin: germline. Affected: yes.

Breakthrough Genomics
Classification: Benign. Review status: criteria provided, single submitter. Criteria: ACMG Guidelines, 2015. Collection method: not provided. Allele origin: germline. Inheritance: X-linked inheritance. Affected: yes.

Genetic Services Laboratory, University of Chicago
Classification: Likely benign. Review status: no assertion criteria provided. Collection method: clinical testing. Allele origin: germline. Inheritance: X-linked inheritance. Not counted in ClinVar's aggregate classification.
Comment: Likely benign based on allele frequency in 1000 Genomes Project or ESP global frequency and its presence in a patient with a rare or unrelated disease phenotype. NOT Sanger confirmed